The following is an entry in ClinVar:

NM_006267.5(RANBP2):c.7873G>T (p.Asp2625Tyr)

Gene: RANBP2 (RAN binding protein 2; plus strand). Cytogenetic location: 2q13.
Variant type: single nucleotide variant.
Coding change: c.7873G>T on transcript NM_006267.5 (MANE Select); coding-DNA position 7873, G replaced by T.
Protein change: p.Asp2625Tyr; replaces aspartic acid 2625 with tyrosine.
Molecular consequence: missense variant.
Genome position (GRCh38, 1-based): chr2:108,771,724, G>T. VCF-style: chr2-108771724-G-T. GRCh37 (hg19) VCF-style: chr2-109388180-G-T.
Other names: short protein forms D2625Y.
Identifiers: ClinVar variation 1014583 (VCV001014583.10), dbSNP rs1677509212, ClinGen allele CA348082109.

ClinVar aggregate classification (germline): Uncertain significance (1 of 4 stars; one submission).

Conditions:
Familial acute necrotizing encephalopathy (IIAE3). Also called: ENCEPHALOPATHY, ACUTE, INFECTION-INDUCED, SUSCEPTIBILITY TO, 3; Susceptibility to Acute Necrotizing Encephalopathy 1. Identifiers: Orphanet 88619, MedGen C2675556, MONDO:0011953, OMIM 608033.

Submission:

Labcorp Genetics (formerly Invitae), Labcorp
Classification: Uncertain significance for Familial acute necrotizing encephalopathy. Last evaluated: 2020-01-14. Review status: criteria provided, single submitter. Criteria: Invitae Variant Classification Sherloc (09022015). Collection method: clinical testing. Allele origin: germline.
Comment: In summary, the available evidence is currently insufficient to determine the role of this variant in disease. Therefore, it has been classified as a Variant of Uncertain Significance. Algorithms developed to predict the effect of missense changes on protein structure and function (SIFT, PolyPhen-2, Align-GVGD) all suggest that this variant is likely to be disruptive, but these predictions have not been confirmed by published functional studies and their clinical significance is uncertain. This variant has not been reported in the literature in individuals with RANBP2-related conditions. This variant is not present in population databases (ExAC no frequency). This sequence change replaces aspartic acid with tyrosine at codon 2625 of the RANBP2 protein (p.Asp2625Tyr). The aspartic acid residue is highly conserved and there is a large physicochemical difference between aspartic acid and tyrosine.